The following is an entry in ClinVar:

ClinVar aggregate classification (germline): Likely pathogenic. Review status: criteria provided, multiple submitters, no conflicts (2 of 4 stars). 2 submissions from 2 submitters: Likely pathogenic (2). Last evaluated 2025-08-01.

Conditions:
Intellectual disability. Also called: intellectual disabilities; Intellectual developmental disorder; Intellectual functioning disability. Identifiers: MedGen C3714756, MeSH D008607, MONDO:0001071, HP:0001249.

Submissions (2):

GeneDx
Classification: Likely pathogenic. Last evaluated: 2025-08-01. Review status: criteria provided, single submitter. Criteria: GeneDx Variant Classification Process June 2021. Collection method: clinical testing. Allele origin: germline. Affected: yes.
Comment: Intronic +5 splice site variant in a gene for which loss of function is a known mechanism of disease, and splice predictors support a deleterious effect; Not observed at significant frequency in large population cohorts (gnomAD); This variant is associated with the following publications: (PMID: 32135084)

Diagnostic Laboratory, Strasbourg University Hospital
Classification: Likely pathogenic for Intellectual disability. Last evaluated: 2020-09-10. Review status: criteria provided, single submitter. Criteria: ACMG Guidelines, 2015. Collection method: clinical testing. Allele origin: de novo. Affected: yes. Observed: 1 heterozygote.

NM_001356.5(DDX3X):c.543+3_543+6del

Gene: DDX3X (DEAD-box helicase 3 X-linked; plus strand). Cytogenetic location: Xp11.4.
Variant type: Deletion.
Coding change: c.543+3_543+6del on transcript NM_001356.5 (MANE Select); bases 3 to 6 of the intron after coding-DNA position 543, 4 bases deleted (GAGT; older notation c.543+3_543+6delGAGT).
Molecular consequence: splice donor variant.
Genome position (GRCh38, 1-based): chrX:41,342,839-41,342,842, GAGT deleted; deleting any 4 consecutive bases within chrX:41,342,837-41,342,842 gives the same sequence; the c. name uses the placement nearest the transcript's 3' end. VCF-style (leftmost placement, unchanged base first): chrX-41342836-TGTGA-T. GRCh37 (hg19) VCF-style: chrX-41202089-TGTGA-T.
Other names: c.543+3_543+6del (NM_001193416.3); c.495+3_495+6del (NM_001193417.3); c.-16+3_-16+6del (NM_001363819.1).
Identifiers: ClinVar variation 981367 (VCV000981367.2), dbSNP rs2063869050, ClinGen allele CA1139667455.